The following is an entry in ClinVar:

ClinVar aggregate classification (germline): Pathogenic/Likely pathogenic. Review status: criteria provided, multiple submitters, no conflicts (2 of 4 stars). 2 submissions from 2 submitters: Pathogenic (1); Likely pathogenic (1). Last evaluated 2024-12-19.

Conditions:
Osteogenesis imperfecta type I (OI1). Also called: OI, TYPE I; OSTEOGENESIS IMPERFECTA TARDA; OSTEOGENESIS IMPERFECTA WITH BLUE SCLERAE; Osteogenesis imperfecta type 1; Lobstein's Disease; Lobstein disease. Identifiers: Orphanet 216796, Orphanet 666, MedGen C0023931, MONDO:0008146, OMIM 166200. Disease mechanism: loss of function.
COL1A1-related disorder. Also called: COL1A1- related disease; COL1A1-related condition.

Submissions (2):

PreventionGenetics, part of Exact Sciences
Classification: Likely pathogenic for COL1A1-related condition. Last evaluated: 2024-12-19. Review status: criteria provided, single submitter. Criteria: ACMG Guidelines, 2015. Collection method: clinical testing. Allele origin: germline.
Comment: The COL1A1 c.1871delC variant is predicted to result in a frameshift and premature protein termination (p.Pro624Leufs*142). To our knowledge, this variant has not been reported in the literature or a large population database (gnomAD), indicating this variant is rare. Frameshift variants in COL1A1 are expected to be pathogenic. This variant is interpreted as likely pathogenic.

Labcorp Genetics (formerly Invitae), Labcorp
Classification: Pathogenic for Osteogenesis imperfecta type I. Last evaluated: 2022-06-02. Review status: criteria provided, single submitter. Criteria: Invitae Variant Classification Sherloc (09022015). Collection method: clinical testing. Allele origin: germline.
Comment: For these reasons, this variant has been classified as Pathogenic. This variant has not been reported in the literature in individuals affected with COL1A1-related conditions. This variant is not present in population databases (gnomAD no frequency). This sequence change creates a premature translational stop signal (p.Pro624Leufs*142) in the COL1A1 gene. It is expected to result in an absent or disrupted protein product. Loss-of-function variants in COL1A1 are known to be pathogenic (PMID: 7942841, 9295084, 9443882).

Literature cited by the submitters: PubMed 7942841 (cited by Labcorp Genetics (formerly Invitae), Labcorp); PubMed 9295084 (cited by Labcorp Genetics (formerly Invitae), Labcorp); PubMed 9443882 (cited by Labcorp Genetics (formerly Invitae), Labcorp).

NM_000088.4(COL1A1):c.1871del (p.Pro624fs)

Gene: COL1A1 (collagen type I alpha 1 chain; minus strand). Cytogenetic location: 17q21.33.
Variant type: Deletion.
Coding change: c.1871del on transcript NM_000088.4 (MANE Select); coding-DNA position 1871, one base deleted (C; older notation c.1871delC).
Protein change: p.Pro624fs; shifts the reading frame from proline 624.
Molecular consequence: frameshift variant.
Genome position (GRCh38, 1-based): chr17:50,192,801, G deleted on the plus strand (C on the coding strand, the reverse complement: COL1A1 is on the minus strand); the first of 3 consecutive G bases (chr17:50,192,801-50,192,803); deleting any one gives the same sequence. VCF-style (leftmost placement, unchanged base first): chr17-50192800-AG-A. GRCh37 (hg19) VCF-style: chr17-48270161-AG-A.
Other names: c.1871delC (NM_000088.3); short protein forms P624fs.
Identifiers: ClinVar variation 2082749 (VCV002082749.5), dbSNP rs2509207852, ClinGen allele CA2580094388.